The following is an entry in ClinVar:

ClinVar aggregate classification (germline): Conflicting classifications of pathogenicity. Review status: criteria provided, conflicting classifications (1 of 4 stars). 2 submissions from 2 submitters: Uncertain significance (1); Likely benign (1). Last evaluated 2025-12-03.

Allele frequency attached by ClinVar (database versions not stated): gnomAD exomes below 0.00001; TOPMed 0.00001; gnomAD 0.00002.
gnomAD v4.1: 8 of 1,012,400 alleles (0.00079%); highest among the groups gnomAD compares: East Asian, 0.039%; no homozygotes.

Submissions (2):

Labcorp Genetics (formerly Invitae), Labcorp
Classification: Uncertain significance. Last evaluated: 2025-12-03. Review status: criteria provided, single submitter. Criteria: Invitae Variant Classification Sherloc (09022015). Collection method: clinical testing. Allele origin: germline.
Comment: This sequence change replaces proline, which is neutral and non-polar, with serine, which is neutral and polar, at codon 35 of the GRIN2D protein (p.Pro35Ser). The frequency data for this variant in the population databases is considered unreliable, as metrics indicate poor data quality at this position in the gnomAD database. This variant has not been reported in the literature in individuals affected with GRIN2D-related conditions. ClinVar contains an entry for this variant (Variation ID: 808606). Invitae Evidence Modeling of protein sequence and biophysical properties (such as structural, functional, and spatial information, amino acid conservation, physicochemical variation, residue mobility, and thermodynamic stability) indicates that this missense variant is not expected to disrupt GRIN2D protein function with a negative predictive value of 95%. In summary, the available evidence is currently insufficient to determine the role of this variant in disease. Therefore, it has been classified as a Variant of Uncertain Significance.

CeGaT Center for Human Genetics Tuebingen
Classification: Likely benign. Last evaluated: 2018-09-01. Review status: criteria provided, single submitter. Criteria: CeGaT Center For Human Genetics Tuebingen Variant Classification Criteria Version 2. Collection method: clinical testing. Allele origin: germline. Affected: yes. Observed: 1 variant allele.

NM_000836.4(GRIN2D):c.103C>T (p.Pro35Ser)

Genes: GRIN2D (glutamate ionotropic receptor NMDA type subunit 2D; plus strand), LOC130064855 (ATAC-STARR-seq lymphoblastoid silent region 10879; plus strand). Cytogenetic location: 19q13.33.
Variant type: single nucleotide variant.
Coding change: c.103C>T on transcript NM_000836.4 (MANE Select); coding-DNA position 103, C replaced by T.
Protein change: p.Pro35Ser; replaces proline 35 with serine.
Molecular consequence: missense variant.
Genome position (GRCh38, 1-based): chr19:48,398,495, C>T. VCF-style: chr19-48398495-C-T. GRCh37 (hg19) VCF-style: chr19-48901752-C-T.
Other names: short protein forms P35S.
Identifiers: ClinVar variation 808606 (VCV000808606.45), dbSNP rs1303988486, ClinGen allele CA406688292.
Genomic context (GRCh38, chr19:48,398,495, plus strand): 5'-AAGATGCTGCTGCTGCTGGCGCTGGCCTGCGCCAGCCCGTTCCCGGAGGAGGCGCCGGGG[C>T]CGGGCGGGGCCGGTGGGCCCGGCGGCGGCCTCGGCGGGGCGCGGCCGCTCAACGTGGCGC-3'
Protein context (NP_000827.2, residues 25-45): ASPFPEEAPG[Pro35Ser]GGAGGPGGGL